The following is an entry in ClinVar:

NM_144596.4(TTC8):c.1133T>C (p.Met378Thr)

Gene: TTC8 (tetratricopeptide repeat domain 8; plus strand). Cytogenetic location: 14q31.3.
Variant type: single nucleotide variant.
Coding change: c.1133T>C on transcript NM_144596.4 (MANE Select); coding-DNA position 1133, T replaced by C.
Protein change: p.Met378Thr; replaces methionine 378 with threonine.
Molecular consequence: missense variant. On other transcripts: non-coding transcript variant (1).
Genome position (GRCh38, 1-based): chr14:88,871,632, T>C. VCF-style: chr14-88871632-T-C. GRCh37 (hg19) VCF-style: chr14-89337976-T-C.
Other names: c.1181T>C, p.Met394Thr (NM_001288781.1); c.539T>C, p.Met180Thr (NM_001288782.1); c.416T>C, p.Met139Thr (NM_001288783.1); c.1103T>C, p.Met368Thr (NM_001366535.2, NM_198309.3); c.1013T>C, p.Met338Thr (NM_001366536.2, NM_198310.3); short protein forms M139T, M180T, M338T, M368T, M378T, M394T.
Identifiers: ClinVar variation 1021106 (VCV001021106.10), dbSNP rs1003053014, ClinGen allele CA264573437.

ClinVar aggregate classification (germline): Uncertain significance. Review status: criteria provided, multiple submitters, no conflicts (2 of 4 stars). 2 submissions from 2 submitters: Uncertain significance (2). Last evaluated 2024-04-30.

Conditions:
Retinitis pigmentosa 51 (RP51). Identifiers: Orphanet 791, MedGen C3150715, MONDO:0013274, OMIM 613464.
Bardet-Biedl syndrome 8 (BBS8). Identifiers: Orphanet 110, MedGen C1859566, MONDO:0014436, OMIM 615985.
Bardet-Biedl syndrome (BBS). Identifiers: Orphanet 110, MedGen C0752166, MONDO:0015229.

Allele frequency attached by ClinVar (database versions not stated): gnomAD exomes below 0.00001 and 0.00001; gnomAD 0.00001; TOPMed 0.00002.

Submissions (2):

Fulgent Genetics
Classification: Uncertain significance for Retinitis pigmentosa 51; Bardet-Biedl syndrome 8. Last evaluated: 2024-04-30. Review status: criteria provided, single submitter. Criteria: ACMG Guidelines, 2015. Collection method: clinical testing. Allele origin: germline.

Labcorp Genetics (formerly Invitae), Labcorp
Classification: Uncertain significance for Bardet-Biedl syndrome. Last evaluated: 2023-08-04. Review status: criteria provided, single submitter. Criteria: Invitae Variant Classification Sherloc (09022015). Collection method: clinical testing. Allele origin: germline.
Comment: This sequence change replaces methionine, which is neutral and non-polar, with threonine, which is neutral and polar, at codon 368 of the TTC8 protein (p.Met368Thr). This variant is present in population databases (no rsID available, gnomAD 0.01%). This variant has not been reported in the literature in individuals affected with TTC8-related conditions. ClinVar contains an entry for this variant (Variation ID: 1021106). Advanced modeling of protein sequence and biophysical properties (such as structural, functional, and spatial information, amino acid conservation, physicochemical variation, residue mobility, and thermodynamic stability) has been performed at Invitae for this missense variant, however the output from this modeling did not meet the statistical confidence thresholds required to predict the impact of this variant on TTC8 protein function. In summary, the available evidence is currently insufficient to determine the role of this variant in disease. Therefore, it has been classified as a Variant of Uncertain Significance.